The following is an entry in ClinVar:

ClinVar aggregate classification (germline): Likely benign. Review status: criteria provided, multiple submitters, no conflicts (2 of 4 stars). 3 submissions from 3 submitters: Likely benign (2). 1 of the submissions does not count toward it. Last evaluated 2025-08-13.

Conditions:
CEACAM16-related disorder. Also called: CEACAM16-related condition.

Allele frequency attached by ClinVar (database versions not stated): ESP Exome Variant Server 0.00008; gnomAD 0.00016; TOPMed 0.00017; 1000 Genomes Project 30x 0.00031; gnomAD exomes 0.00035; ExAC 0.00037.
gnomAD v4.1: 344 of 1,613,996 alleles (0.021%); highest among the groups gnomAD compares: South Asian, 0.21%; 2 homozygotes.

Submissions (3):

Labcorp Genetics (formerly Invitae), Labcorp
Classification: Likely benign. Last evaluated: 2025-08-13. Review status: criteria provided, single submitter. Criteria: Invitae Variant Classification Sherloc (09022015). Collection method: clinical testing. Allele origin: germline.

GeneDx
Classification: Likely benign. Last evaluated: 2020-09-30. Review status: criteria provided, single submitter. Criteria: GeneDx Variant Classification Process June 2021. Collection method: clinical testing. Allele origin: germline. Affected: yes.

PreventionGenetics, part of Exact Sciences
Classification: Likely benign for CEACAM16-related condition. Last evaluated: 2023-06-23. Review status: no assertion criteria provided. Collection method: clinical testing. Allele origin: germline. Not counted in ClinVar's aggregate classification.
Comment: This variant is classified as likely benign based on ACMG/AMP sequence variant interpretation guidelines (Richards et al. 2015 PMID: 25741868, with internal and published modifications).

NM_001039213.4(CEACAM16):c.856G>A (p.Ala286Thr)

Genes: CEACAM16 (CEA cell adhesion molecule 16, tectorial membrane component; plus strand), CEACAM16-AS1 (CEACAM16, CEACAM19 and PVR antisense RNA 1; minus strand). Cytogenetic location: 19q13.32.
Variant type: single nucleotide variant.
Coding change: c.856G>A on transcript NM_001039213.4 (MANE Select); coding-DNA position 856, G replaced by A.
Protein change: p.Ala286Thr; replaces alanine 286 with threonine.
Molecular consequence: missense variant.
Genome position (GRCh38, 1-based): chr19:44,705,784, G>A. VCF-style: chr19-44705784-G-A. GRCh37 (hg19) VCF-style: chr19-45209054-G-A.
Other names: short protein forms A286T.
Identifiers: ClinVar variation 1206529 (VCV001206529.10), dbSNP rs375462848, ClinGen allele CA9503160.